The following is an entry in ClinVar:

ClinVar aggregate classification (germline): Uncertain significance. Review status: criteria provided, multiple submitters, no conflicts (2 of 4 stars). 2 submissions from 2 submitters: Uncertain significance (2). Last evaluated 2025-02-05.

Conditions:
Early Myoclonic Encephalopathy. Identifiers: MedGen C0270855.

Allele frequency attached by ClinVar (database versions not stated): ESP Exome Variant Server 0.00009; gnomAD exomes 0.00001 and 0.00003; TOPMed 0.00001; ExAC 0.00001; gnomAD 0.00001.

Submissions (2):

Ambry Genetics
Classification: Uncertain significance. Last evaluated: 2025-02-05. Review status: criteria provided, single submitter. Criteria: Ambry Variant Classification Scheme 2023. Collection method: clinical testing. Allele origin: germline.

Labcorp Genetics (formerly Invitae), Labcorp
Classification: Uncertain significance for Early Myoclonic Encephalopathy. Last evaluated: 2019-07-30. Review status: criteria provided, single submitter. Criteria: Invitae Variant Classification Sherloc (09022015). Collection method: clinical testing. Allele origin: germline.
Comment: In summary, the available evidence is currently insufficient to determine the role of this variant in disease. Therefore, it has been classified as a Variant of Uncertain Significance. Algorithms developed to predict the effect of missense changes on protein structure and function output the following: SIFT: "Tolerated"; PolyPhen-2: "Benign"; Align-GVGD: "Class C0". The leucine amino acid residue is found in multiple mammalian species, suggesting that this missense change does not adversely affect protein function. These predictions have not been confirmed by published functional studies and their clinical significance is uncertain. This variant has not been reported in the literature in individuals with JMJD1C-related conditions. This variant is present in population databases (rs369760698, ExAC 0.002%). This sequence change replaces proline with leucine at codon 416 of the JMJD1C protein (p.Pro416Leu). The proline residue is weakly conserved and there is a moderate physicochemical difference between proline and leucine.

NM_032776.3(JMJD1C):c.1247C>T (p.Pro416Leu)

Gene: JMJD1C (jumonji domain containing 1C; minus strand). Cytogenetic location: 10q21.3.
Variant type: single nucleotide variant.
Coding change: c.1247C>T on transcript NM_032776.3 (MANE Select); coding-DNA position 1247, C replaced by T.
Protein change: p.Pro416Leu; replaces proline 416 with leucine.
Molecular consequence: missense variant. On other transcripts: non-coding transcript variant (1).
Genome position (GRCh38, 1-based): chr10:63,214,920, G>A on the plus strand (C>T on the coding strand, the complement: JMJD1C is on the minus strand). VCF-style: chr10-63214920-G-A. GRCh37 (hg19) VCF-style: chr10-64974680-G-A.
Other names: c.701C>T, p.Pro234Leu (NM_001282948.2, NM_001318154.2); c.383C>T, p.Pro128Leu (NM_001318153.2); c.1133C>T, p.Pro378Leu (NM_001322252.2); c.590C>T, p.Pro197Leu (NM_001322254.2, NM_001322258.2); c.1247C>T (NM_032776.1); short protein forms P197L, P234L, P128L, P378L, P416L.
Identifiers: ClinVar variation 941453 (VCV000941453.10), dbSNP rs369760698, ClinGen allele CA5518840.